The following is an entry in ClinVar:

ClinVar aggregate classification (germline): Uncertain significance (1 of 4 stars; one submission).

Conditions:
PLXNA1-related disorder. Also called: PLXNA1-related condition.

gnomAD v4.1: 1 of 1,613,652 alleles (0.000062%); highest among the groups gnomAD compares: Non-Finnish European, 0.000085%; no homozygotes.

Submission:

PreventionGenetics, part of Exact Sciences
Classification: Uncertain significance for PLXNA1-related condition. Last evaluated: 2025-12-22. Review status: criteria provided, single submitter. Criteria: ACMG Guidelines, 2015. Collection method: clinical testing. Allele origin: germline.
Comment: The PLXNA1 c.3358G>C variant is predicted to result in the amino acid substitution p.Gly1120Arg. To our knowledge, this variant has not been reported in the literature. This variant is reported in 0.00088% of alleles in individuals of European (Non-Finnish) descent in gnomAD. At this time, the clinical significance of this variant is uncertain due to the absence of conclusive functional and genetic evidence.

NM_032242.4(PLXNA1):c.3358G>C (p.Gly1120Arg)

Gene: PLXNA1 (plexin A1; plus strand). Cytogenetic location: 3q21.3.
Variant type: single nucleotide variant.
Coding change: c.3358G>C on transcript NM_032242.4 (MANE Select); coding-DNA position 3358, G replaced by C.
Protein change: p.Gly1120Arg; replaces glycine 1120 with arginine.
Molecular consequence: missense variant.
Genome position (GRCh38, 1-based): chr3:127,017,506, G>C. VCF-style: chr3-127017506-G-C. GRCh37 (hg19) VCF-style: chr3-126736349-G-C.
Other names: short protein forms G1120R.
Identifiers: ClinVar variation 4993765 (VCV004993765.1).